The following is an entry in ClinVar:

ClinVar aggregate classification (germline): Conflicting classifications of pathogenicity. Review status: criteria provided, conflicting classifications (1 of 4 stars). 5 submissions from 5 submitters: Uncertain significance (3); Likely benign (2). Last evaluated 2025-08-07.

Conditions:
Inborn genetic diseases. Identifiers: MedGen C0950123, MeSH D030342.
Partial lipodystrophy, congenital cataracts, and neurodegeneration syndrome (FPLD7). Identifiers: MedGen C3807567, MONDO:0011714, OMIM 606721.
Congenital generalized lipodystrophy type 3 (CGL3). Also called: BERARDINELLI-SEIP CONGENITAL LIPODYSTROPHY, TYPE 3. Identifiers: Orphanet 528, Orphanet 696206, MedGen C2675861, MONDO:0012923, OMIM 612526.
Pulmonary hypertension, primary, 3. Identifiers: Orphanet 422, MedGen C3809192, MONDO:0014135, OMIM 615343.

Allele frequency attached by ClinVar (database versions not stated): ExAC 0.00007; gnomAD 0.00014; ESP Exome Variant Server 0.00015; TOPMed 0.00015; 1000 Genomes Project 0.00060; 1000 Genomes Project 30x 0.00062.
gnomAD v4.1: 53 of 1,613,804 alleles (0.0033%); highest among the groups gnomAD compares: African/African-American, 0.035%; no homozygotes.

Submissions (5):

Ambry Genetics
Classification: Likely benign for Inborn genetic diseases. Last evaluated: 2025-08-07. Review status: criteria provided, single submitter. Criteria: Ambry Variant Classification Scheme 2023. Collection method: clinical testing. Allele origin: germline.

Blueprint Genetics
Classification: Uncertain significance. Last evaluated: 2024-05-21. Review status: criteria provided, single submitter. Criteria: ACMG Guidelines, 2015. Collection method: clinical testing. Allele origin: germline.

Fulgent Genetics
Classification: Likely benign for Partial lipodystrophy, congenital cataracts, and neurodegeneration syndrome; Congenital generalized lipodystrophy type 3; Pulmonary hypertension, primary, 3. Last evaluated: 2024-03-12. Review status: criteria provided, single submitter. Criteria: ACMG Guidelines, 2015. Collection method: clinical testing. Allele origin: germline.

Baylor Genetics
Classification: Uncertain significance for Partial lipodystrophy, congenital cataracts, and neurodegeneration syndrome. Last evaluated: 2023-12-23. Review status: criteria provided, single submitter. Criteria: ACMG Guidelines, 2015. Collection method: clinical testing. Allele origin: unknown.

Labcorp Genetics (formerly Invitae), Labcorp
Classification: Uncertain significance for Pulmonary hypertension, primary, 3. Last evaluated: 2023-08-08. Review status: criteria provided, single submitter. Criteria: Invitae Variant Classification Sherloc (09022015). Collection method: clinical testing. Allele origin: germline.
Comment: Advanced modeling of protein sequence and biophysical properties (such as structural, functional, and spatial information, amino acid conservation, physicochemical variation, residue mobility, and thermodynamic stability) performed at Invitae indicates that this missense variant is expected to disrupt CAV1 protein function. This variant has not been reported in the literature in individuals affected with CAV1-related conditions. In summary, the available evidence is currently insufficient to determine the role of this variant in disease. Therefore, it has been classified as a Variant of Uncertain Significance. This sequence change replaces alanine, which is neutral and non-polar, with threonine, which is neutral and polar, at codon 120 of the CAV1 protein (p.Ala120Thr). This variant is present in population databases (rs369262127, gnomAD 0.04%), and has an allele count higher than expected for a pathogenic variant.

NM_001753.5(CAV1):c.358G>A (p.Ala120Thr)

Gene: CAV1 (caveolin 1; plus strand). Cytogenetic location: 7q31.2.
Variant type: single nucleotide variant.
Coding change: c.358G>A on transcript NM_001753.5 (MANE Select); coding-DNA position 358, G replaced by A.
Protein change: p.Ala120Thr; replaces alanine 120 with threonine.
Molecular consequence: missense variant.
Genome position (GRCh38, 1-based): chr7:116,559,108, G>A. VCF-style: chr7-116559108-G-A. GRCh37 (hg19) VCF-style: chr7-116199162-G-A.
Other names: c.358G>A (NM_001753.4); c.265G>A, p.Ala89Thr (NM_001172895.1, NM_001172896.2, NM_001172897.2); short protein forms A89T, A120T.
Identifiers: ClinVar variation 2894539 (VCV002894539.7), dbSNP rs369262127, ClinGen allele CA4447871.